The following is an entry in ClinVar:

NM_016592.5(GNAS):c.470_474dup (p.Leu159fs)

Genes: GNAS-AS1 (GNAS antisense RNA 1; minus strand), GNAS (GNAS complex locus; plus strand). Cytogenetic location: 20q13.32.
Variant type: Duplication.
Coding change: c.470_474dup on transcript NM_016592.5 (MANE Plus Clinical); coding-DNA positions 470 to 474, 5 bases duplicated (AGTCC; older notation c.470_474dupAGTCC).
Protein change: p.Leu159fs; shifts the reading frame from leucine 159.
Molecular consequence: frameshift variant. On other transcripts: 5 prime UTR variant (1).
Genome position (GRCh38, 1-based): chr20:58,840,576-58,840,580, AGTCC duplicated; duplicating any 5 consecutive bases within chr20:58,840,574-58,840,580 gives the same sequence; the c. name uses the placement nearest the transcript's 3' end. VCF-style (leftmost placement, unchanged base first): chr20-58840573-G-GCCAGT. GRCh37 (hg19) VCF-style: chr20-57415628-G-GCCAGT.
Other names: c.-268_-264dup (NM_001410912.1); short protein forms L159fs.
Identifiers: ClinVar variation 1706317 (VCV001706317.2), dbSNP rs2516259011, ClinGen allele CA2580098299.

ClinVar aggregate classification (germline): Uncertain significance (1 of 4 stars; one submission).

Submission:

GeneDx
Classification: Uncertain significance. Last evaluated: 2022-03-15. Review status: criteria provided, single submitter. Criteria: GeneDx Variant Classification Process June 2021. Collection method: clinical testing. Allele origin: germline. Affected: yes.
Comment: Not observed at significant frequency in large population cohorts (gnomAD); Frameshift variant predicted to result in protein truncation as the last 87 amino acids are replaced with 109 different amino acids, although loss-of-function variants have not been reported downstream of this position in the protein; Has not been previously published as pathogenic or benign to our knowledge